The following is an entry in ClinVar:

ClinVar aggregate classification (germline): Uncertain significance. Review status: criteria provided, multiple submitters, no conflicts (2 of 4 stars). 2 submissions from 2 submitters: Uncertain significance (2). Last evaluated 2024-10-19.

gnomAD v4.1: 51 of 1,613,720 alleles (0.0032%); highest among the groups gnomAD compares: South Asian, 0.012%; no homozygotes.

Submissions (2):

Ambry Genetics
Classification: Uncertain significance. Last evaluated: 2024-10-19. Review status: criteria provided, single submitter. Criteria: Ambry Variant Classification Scheme 2023. Collection method: clinical testing. Allele origin: germline.

Labcorp Genetics (formerly Invitae), Labcorp
Classification: Uncertain significance. Last evaluated: 2024-08-13. Review status: criteria provided, single submitter. Criteria: Invitae Variant Classification Sherloc (09022015). Collection method: clinical testing. Allele origin: germline.
Comment: This sequence change replaces arginine, which is basic and polar, with histidine, which is basic and polar, at codon 54 of the PNLIP protein (p.Arg54His). This variant is present in population databases (rs753381451, gnomAD 0.008%). This variant has not been reported in the literature in individuals affected with PNLIP-related conditions. ClinVar contains an entry for this variant (Variation ID: 2396493). Invitae Evidence Modeling of protein sequence and biophysical properties (such as structural, functional, and spatial information, amino acid conservation, physicochemical variation, residue mobility, and thermodynamic stability) indicates that this missense variant is not expected to disrupt PNLIP protein function with a negative predictive value of 80%. In summary, the available evidence is currently insufficient to determine the role of this variant in disease. Therefore, it has been classified as a Variant of Uncertain Significance.

NM_000936.4(PNLIP):c.161G>A (p.Arg54His)

Gene: PNLIP (pancreatic lipase; plus strand). Cytogenetic location: 10q25.3.
Variant type: single nucleotide variant.
Coding change: c.161G>A on transcript NM_000936.4 (MANE Select); coding-DNA position 161, G replaced by A.
Protein change: p.Arg54His; replaces arginine 54 with histidine.
Molecular consequence: missense variant.
Genome position (GRCh38, 1-based): chr10:116,547,408, G>A. VCF-style: chr10-116547408-G-A. GRCh37 (hg19) VCF-style: chr10-118306920-G-A.
Other names: short protein forms R54H.
Identifiers: ClinVar variation 2396493 (VCV002396493.4), dbSNP rs753381451, ClinGen allele CA5706361.